The following is an entry in ClinVar:

NM_000104.4(CYP1B1):c.862delinsCC (p.Ala288fs)

Gene: CYP1B1 (cytochrome P450 family 1 subfamily B member 1; minus strand). Cytogenetic location: 2p22.2.
Variant type: Indel.
Coding change: c.862delinsCC on transcript NM_000104.4 (MANE Select); coding-DNA position 862, G replaced by CC.
Protein change: p.Ala288fs; shifts the reading frame from alanine 288.
Molecular consequence: frameshift variant.
Genome position (GRCh38, 1-based): chr2:38,074,527, C replaced by GG on the plus strand (G replaced by CC on the coding strand, the reverse complement: CYP1B1 is on the minus strand). VCF-style: chr2-38074527-C-GG. GRCh37 (hg19) VCF-style: chr2-38301670-C-GG.
Other names: NM_000104.4:c.862delinsCC; short protein forms A288fs.
Identifiers: ClinVar variation 5018477 (VCV005018477.1).

ClinVar aggregate classification (germline): Pathogenic (3 of 4 stars; one submission).

Conditions:
CYP1B1-related glaucoma with or without anterior segment dysgenesis. Identifiers: MedGen CN375931, MONDO:0800472.

Submission:

ClinGen Glaucoma Variant Curation Expert Panel
Classification: Pathogenic for CYP1B1-related glaucoma with or without anterior segment dysgenesis. Last evaluated: 2026-10-12. Review status: reviewed by expert panel. Criteria: ClinGen Glaucoma ACMG Specifications CYP1B1 V2.0. Collection method: curation. Allele origin: germline. Inheritance: Autosomal recessive inheritance.
Comment: The c.862delinsCC variant in CYP1B1 is a deletion of a single nucleotide paired with the insertion of 2 nucleotides, predicted to encode a frameshift with consequent premature termination of the protein at codon 39 of the frameshift (p.Ala288ProfsTer39). This variant was not found in any genetic ancestry group of gnomAD (v4.1), meeting the ≤ 0.0005 threshold set for PM2_Supporting in a genetic ancestry group of at least 2,000 alleles. This frameshift variant was predicted to undergo NMD, meeting PVS1. There was no functional evidence predicting a damaging or benign impact of this variant on CYP1B1 function. ≥3 affected segregations with a CYP1B1-related phenotype have been reported (PMID: 41138003), which fulfilled PP1_Strong. This variant has been identified in four individuals with a CYP1B1-related phenotype. This person is excluded as evidence for PM3, as the causative variant cannot be determined. (PMIDs: 23218183, 30653986, 41138003). Total proband points = 1, meeting PM3. In summary, this variant met the criteria to receive a score of 15 and to be classified as pathogenic (pathogenic classification ≥ 10, adapted from PMID: 32720330) for CYP1B1-related glaucoma with or without anterior segment dysgenesis (ASD) based on the ACMG/AMP criteria met, as specified by the ClinGen Glaucoma VCEP (v2.0, 16.07.2026): PVS1, PP1_Strong, PM3, PM2_Supporting.